The following is an entry in ClinVar:

NM_147127.5(EVC2):c.2156C>T (p.Ala719Val)

Gene: EVC2 (EvC ciliary complex subunit 2; minus strand). Cytogenetic location: 4p16.2.
Variant type: single nucleotide variant.
Coding change: c.2156C>T on transcript NM_147127.5 (MANE Select); coding-DNA position 2156, C replaced by T.
Protein change: p.Ala719Val; replaces alanine 719 with valine.
Molecular consequence: missense variant.
Genome position (GRCh38, 1-based): chr4:5,622,882, G>A on the plus strand (C>T on the coding strand, the complement: EVC2 is on the minus strand). VCF-style: chr4-5622882-G-A. GRCh37 (hg19) VCF-style: chr4-5624609-G-A.
Other names: c.1916C>T, p.Ala639Val (NM_001166136.2); short protein forms A639V, A719V.
Identifiers: ClinVar variation 3762707 (VCV003762707.2).

ClinVar aggregate classification (germline): Uncertain significance (1 of 4 stars; one submission).

Conditions:
Curry-Hall syndrome (WAD). Also called: WEYERS ACRODENTAL DYSOSTOSIS. Identifiers: Orphanet 952, MedGen C0457013, MONDO:0008673, OMIM 193530.
Ellis-van Creveld syndrome (EVC). Also called: EVC-Related Ellis-van Creveld Syndrome; EVC2-Related Ellis-van Creveld Syndrome; MESOECTODERMAL DYSPLASIA; Chondroectodermal dysplasia. Identifiers: Orphanet 289, MedGen C0013903, MONDO:0009162, OMIM 225500.

Submission:

Labcorp Genetics (formerly Invitae), Labcorp
Classification: Uncertain significance for Curry-Hall syndrome; Ellis-van Creveld syndrome. Last evaluated: 2024-10-02. Review status: criteria provided, single submitter. Criteria: Invitae Variant Classification Sherloc (09022015). Collection method: clinical testing. Allele origin: germline.
Comment: This sequence change replaces alanine, which is neutral and non-polar, with valine, which is neutral and non-polar, at codon 719 of the EVC2 protein (p.Ala719Val). This variant is not present in population databases (gnomAD no frequency). This variant has not been reported in the literature in individuals affected with EVC2-related conditions. An algorithm developed to predict the effect of missense changes on protein structure and function (PolyPhen-2) suggests that this variant is likely to be tolerated. In summary, the available evidence is currently insufficient to determine the role of this variant in disease. Therefore, it has been classified as a Variant of Uncertain Significance.